The following is an entry in ClinVar:

NM_014727.3(KMT2B):c.1398C>T (p.Ser466=)

Gene: KMT2B (lysine methyltransferase 2B; plus strand). Cytogenetic location: 19q13.12.
Variant type: single nucleotide variant.
Coding change: c.1398C>T on transcript NM_014727.3 (MANE Select); coding-DNA position 1398, C replaced by T.
Protein change: p.Ser466=; no amino-acid change (serine 466 retained).
Molecular consequence: synonymous variant.
Genome position (GRCh38, 1-based): chr19:35,720,745, C>T. VCF-style: chr19-35720745-C-T. GRCh37 (hg19) VCF-style: chr19-36211647-C-T.
Other names: c.1398C>T (NM_014727.2).
Identifiers: ClinVar variation 1618734 (VCV001618734.11), dbSNP rs138918689, ClinGen allele CA9384221.

ClinVar aggregate classification (germline): Benign/Likely benign. Review status: criteria provided, multiple submitters, no conflicts (2 of 4 stars). 3 submissions from 3 submitters: Benign (1); Likely benign (1). 1 of the submissions does not count toward it. Last evaluated 2026-09-01.

Conditions:
KMT2B-related disorder. Also called: KMT2B-related condition; KMT2B-related disorders. Identifiers: MedGen CN381338.

Allele frequency attached by ClinVar (database versions not stated): gnomAD exomes 0.00016 and 0.00048; gnomAD 0.00137 and 0.00146; ExAC 0.00148; TOPMed 0.00164; 1000 Genomes Project 0.00180; 1000 Genomes Project 30x 0.00203.

Submissions (3):

CeGaT Center for Human Genetics Tuebingen
Classification: Likely benign. Last evaluated: 2026-09-01. Review status: criteria provided, single submitter. Criteria: CeGaT Center For Human Genetics Tuebingen Variant Classification Criteria Version 2. Collection method: clinical testing. Allele origin: germline. Affected: yes. Observed: 1 variant allele.
Comment: KMT2B: BP4, BP7

Labcorp Genetics (formerly Invitae), Labcorp
Classification: Benign. Last evaluated: 2026-02-03. Review status: criteria provided, single submitter. Criteria: Invitae Variant Classification Sherloc (09022015). Collection method: clinical testing. Allele origin: germline.

PreventionGenetics, part of Exact Sciences
Classification: Likely benign for KMT2B-related condition. Last evaluated: 2020-01-21. Review status: no assertion criteria provided. Collection method: clinical testing. Allele origin: germline. Not counted in ClinVar's aggregate classification.
Comment: This variant is classified as likely benign based on ACMG/AMP sequence variant interpretation guidelines (Richards et al. 2015 PMID: 25741868, with internal and published modifications).